The following is an entry in ClinVar:

ClinVar aggregate classification (germline): Uncertain significance. Review status: criteria provided, multiple submitters, no conflicts (2 of 4 stars). 2 submissions from 2 submitters: Uncertain significance (2). Last evaluated 2025-04-30.

Conditions:
Hereditary cancer-predisposing syndrome. Also called: Neoplastic Syndromes, Hereditary; Tumor predisposition; Hereditary Cancer Syndrome; Hereditary neoplastic syndrome. Identifiers: Orphanet 140162, MedGen C0027672, MeSH D009386, MONDO:0015356.
Ataxia-telangiectasia syndrome (AT). Also called: LOUIS-BAR SYNDROME; Cerebello-oculocutaneous telangiectasia; Immunodeficiency with ataxia telangiectasia; Ataxia telangiectasia (A-T); Ataxia-telangiectasia, complementation group D; AT, COMPLEMENTATION GROUP C. Identifiers: Orphanet 100, MedGen C0004135, MONDO:0008840, OMIM 208900.

Submissions (2):

Labcorp Genetics (formerly Invitae), Labcorp
Classification: Uncertain significance for Ataxia-telangiectasia syndrome. Last evaluated: 2025-04-30. Review status: criteria provided, single submitter. Criteria: Invitae Variant Classification Sherloc (09022015). Collection method: clinical testing. Allele origin: germline.
Comment: This sequence change replaces glycine, which is neutral and non-polar, with cysteine, which is neutral and slightly polar, at codon 2644 of the ATM protein (p.Gly2644Cys). This variant is not present in population databases (gnomAD no frequency). This variant has not been reported in the literature in individuals affected with ATM-related conditions. ClinVar contains an entry for this variant (Variation ID: 1465120). An algorithm developed to predict the effect of missense changes on protein structure and function (PolyPhen-2) suggests that this variant is likely to be disruptive. In summary, the available evidence is currently insufficient to determine the role of this variant in disease. Therefore, it has been classified as a Variant of Uncertain Significance.

Color Diagnostics, LLC DBA Color Health
Classification: Uncertain significance for Hereditary cancer-predisposing syndrome. Last evaluated: 2022-01-24. Review status: criteria provided, single submitter. Criteria: ACMG Guidelines, 2015. Collection method: clinical testing. Allele origin: germline.
Comment: This missense variant replaces glycine with cysteine at codon 2644 of the ATM protein. Computational prediction is inconclusive regarding the impact of this variant on protein structure and function (internally defined REVEL score threshold 0.5 < inconclusive < 0.7, PMID: 27666373). To our knowledge, functional studies have not been reported for this variant. This variant has not been reported in individuals affected with hereditary cancer in the literature. This variant has not been identified in the general population by the Genome Aggregation Database (gnomAD). The available evidence is insufficient to determine the role of this variant in disease conclusively. Therefore, this variant is classified as a Variant of Uncertain Significance.

NM_000051.4(ATM):c.7930G>T (p.Gly2644Cys)

Genes: ATM (ATM serine/threonine kinase; plus strand), C11orf65 (chromosome 11 open reading frame 65; minus strand). Cytogenetic location: 11q22.3.
Variant type: single nucleotide variant.
Coding change: c.7930G>T on transcript NM_000051.4 (MANE Select); coding-DNA position 7930, G replaced by T.
Protein change: p.Gly2644Cys; replaces glycine 2644 with cysteine.
Molecular consequence: missense variant. On other transcripts: intron variant (2).
Genome position (GRCh38, 1-based): chr11:108,333,888, G>T. VCF-style: chr11-108333888-G-T. GRCh37 (hg19) VCF-style: chr11-108204615-G-T.
Other names: c.7930G>T, p.Gly2644Cys (NM_001351834.2); c.641-24817C>A (NM_001330368.2); c.*38+1332C>A (NM_001351110.2); short protein forms G2644C.
Identifiers: ClinVar variation 1465120 (VCV001465120.8), dbSNP rs587781897, ClinGen allele CA382561656.